The following is an entry in ClinVar:

NM_173660.5(DOK7):c.1037C>G (p.Ser346Cys)

Gene: DOK7 (docking protein 7; plus strand). Cytogenetic location: 4p16.3.
Variant type: single nucleotide variant.
Coding change: c.1037C>G on transcript NM_173660.5 (MANE Select); coding-DNA position 1037, C replaced by G.
Protein change: p.Ser346Cys; replaces serine 346 with cysteine.
Molecular consequence: missense variant. On other transcripts: 3 prime UTR variant (1).
Genome position (GRCh38, 1-based): chr4:3,493,023, C>G. VCF-style: chr4-3493023-C-G. GRCh37 (hg19) VCF-style: chr4-3494750-C-G.
Other names: c.*258C>G (NM_001164673.2); c.107C>G, p.Ser36Cys (NM_001256896.2); c.1037C>G, p.Ser346Cys (NM_001301071.2); c.605C>G, p.Ser202Cys (NM_001363811.2); short protein forms S36C, S202C, S346C.
Identifiers: ClinVar variation 1417788 (VCV001417788.5), dbSNP rs568530359, ClinGen allele CA356117234.

ClinVar aggregate classification (germline): Uncertain significance (1 of 4 stars; one submission).

Conditions:
Fetal akinesia deformation sequence 1 (FADS1). Also called: Fetal akinesia sequence; Pena-Shokeir syndrome type I. Identifiers: Orphanet 994, MedGen C1276035, MONDO:0100101, OMIM 208150, HP:0001989.
Congenital myasthenic syndrome 10. Also called: Myasthenia, limb-girdle, familial. Identifiers: Orphanet 590, MedGen C1850792, MONDO:0009690, OMIM 254300.

gnomAD v4.1: 13 of 1,569,330 alleles (0.00083%); highest among the groups gnomAD compares: South Asian, 0.0012%; no homozygotes.

Submission:

Labcorp Genetics (formerly Invitae), Labcorp
Classification: Uncertain significance for Congenital myasthenic syndrome 10; Fetal akinesia deformation sequence 1. Last evaluated: 2022-08-16. Review status: criteria provided, single submitter. Criteria: Invitae Variant Classification Sherloc (09022015). Collection method: clinical testing. Allele origin: germline.
Comment: This sequence change replaces serine, which is neutral and polar, with cysteine, which is neutral and slightly polar, at codon 346 of the DOK7 protein (p.Ser346Cys). The frequency data for this variant in the population databases is considered unreliable, as metrics indicate poor data quality at this position in the gnomAD database. This variant has not been reported in the literature in individuals affected with DOK7-related conditions. ClinVar contains an entry for this variant (Variation ID: 1417788). Algorithms developed to predict the effect of missense changes on protein structure and function are either unavailable or do not agree on the potential impact of this missense change (SIFT: "Deleterious"; PolyPhen-2: "Probably Damaging"; Align-GVGD: "Class C0"). In summary, the available evidence is currently insufficient to determine the role of this variant in disease. Therefore, it has been classified as a Variant of Uncertain Significance.